The following is an entry in ClinVar:

ClinVar aggregate classification (germline): Uncertain significance (1 of 4 stars; one submission).

Submission:

Labcorp Genetics (formerly Invitae), Labcorp
Classification: Uncertain significance. Last evaluated: 2022-07-01. Review status: criteria provided, single submitter. Criteria: Invitae Variant Classification Sherloc (09022015). Collection method: clinical testing. Allele origin: germline.
Comment: In summary, the available evidence is currently insufficient to determine the role of this variant in disease. Therefore, it has been classified as a Variant of Uncertain Significance. This variant has not been reported in the literature in individuals affected with ADAMTS18-related conditions. This variant is not present in population databases (gnomAD no frequency). This variant, c.3232_3234dup, results in the insertion of 1 amino acid(s) of the ADAMTS18 protein (p.Lys1078dup), but otherwise preserves the integrity of the reading frame.

NM_199355.4(ADAMTS18):c.3232_3234dup (p.Lys1078_Cys1079insLys)

Gene: ADAMTS18 (ADAM metallopeptidase with thrombospondin type 1 motif 18; minus strand). Cytogenetic location: 16q23.1.
Variant type: Duplication.
Coding change: c.3232_3234dup on transcript NM_199355.4 (MANE Select); coding-DNA positions 3232 to 3234, 3 bases duplicated (AAG; older notation c.3232_3234dupAAG).
Protein change: p.Lys1078_Cys1079insLys.
Molecular consequence: inframe insertion.
Genome position (GRCh38, 1-based): chr16:77,291,434-77,291,436, CTT duplicated on the plus strand (AAG on the coding strand, the reverse complement: ADAMTS18 is on the minus strand); duplicating any 3 consecutive bases within chr16:77,291,434-77,291,437 gives the same sequence; the c. name uses the placement nearest the transcript's 3' end. VCF-style (leftmost placement, unchanged base first): chr16-77291433-A-ACTT. GRCh37 (hg19) VCF-style: chr16-77325330-A-ACTT.
Other names: c.2716_2718dup, p.Lys906_Cys907insLys (NM_001326358.2).
Identifiers: ClinVar variation 2012608 (VCV002012608.4), dbSNP rs2543575469, ClinGen allele CA2580092121.